The following is an entry in ClinVar:

NM_001145346.2(RBMXL3):c.1485C>T (p.His495=)

Genes: LRCH2 (leucine rich repeats and calponin homology domain containing 2; minus strand), RBMXL3 (RBMX like 3; plus strand). Cytogenetic location: Xq23.
Variant type: single nucleotide variant.
Coding change: c.1485C>T on transcript NM_001145346.2 (MANE Select); coding-DNA position 1485, C replaced by T.
Protein change: p.His495=; no amino-acid change (histidine 495 retained).
Molecular consequence: synonymous variant. On other transcripts: intron variant (2).
Genome position (GRCh38, 1-based): chrX:115,190,926, C>T. VCF-style: chrX-115190926-C-T. GRCh37 (hg19) VCF-style: chrX-114425489-C-T.
Other names: c.350-2556G>A (NM_020871.4, NM_001243963.2).
Identifiers: ClinVar variation 2661237 (VCV002661237.24), dbSNP rs782073197, ClinGen allele CA10496303.
Genomic context (GRCh38, chrX:115,190,926, plus strand): 5'-AGGCCGCTCGCTGGATGCCAACAGTGGAGGCTGCTCGCCCGAGGCCTACAGTGGGGGCCA[C>T]GACAATTCCAGCTGGAGCGACCGCTACGGAGTAGGAGGCCACTATGAGGAGAACCGAGGC-3'
Protein context (NP_001138818.1, residues 485-505): GCSPEAYSGG[His495=]DNSSWSDRYG

ClinVar aggregate classification (germline): Likely benign (1 of 4 stars; one submission).

Allele frequency attached by ClinVar (database versions not stated): gnomAD exomes 0.00015; gnomAD 0.00016; ExAC 0.00034.
gnomAD v4.1: 175 of 1,159,790 alleles (0.015%); highest among the groups gnomAD compares: Middle Eastern, 0.28%; no homozygotes.

Submission:

CeGaT Center for Human Genetics Tuebingen
Classification: Likely benign. Last evaluated: 2022-04-01. Review status: criteria provided, single submitter. Criteria: CeGaT Center For Human Genetics Tuebingen Variant Classification Criteria Version 2. Collection method: clinical testing. Allele origin: germline. Affected: yes. Observed: 1 variant allele.
Comment: RBMXL3: BP4, BP7